The following is an entry in ClinVar:

ClinVar aggregate classification (germline): Uncertain significance. Review status: criteria provided, multiple submitters, no conflicts (2 of 4 stars). 2 submissions from 2 submitters: Uncertain significance (2). Last evaluated 2026-09-01.

gnomAD v4.1: 113 of 1,612,848 alleles (0.007%); highest among the groups gnomAD compares: Non-Finnish European, 0.0091%; no homozygotes.

Submissions (2):

CeGaT Center for Human Genetics Tuebingen
Classification: Uncertain significance. Last evaluated: 2026-09-01. Review status: criteria provided, single submitter. Criteria: CeGaT Center For Human Genetics Tuebingen Variant Classification Criteria Version 2. Collection method: clinical testing. Allele origin: germline. Affected: yes. Observed: 1 variant allele.
Comment: SLCO2A1: PM2

Labcorp Genetics (formerly Invitae), Labcorp
Classification: Uncertain significance. Last evaluated: 2024-02-12. Review status: criteria provided, single submitter. Criteria: Invitae Variant Classification Sherloc (09022015). Collection method: clinical testing. Allele origin: germline.
Comment: This sequence change replaces leucine, which is neutral and non-polar, with phenylalanine, which is neutral and non-polar, at codon 621 of the SLCO2A1 protein (p.Leu621Phe). This variant is present in population databases (rs147416721, gnomAD 0.009%). This variant has not been reported in the literature in individuals affected with SLCO2A1-related conditions. Advanced modeling of protein sequence and biophysical properties (such as structural, functional, and spatial information, amino acid conservation, physicochemical variation, residue mobility, and thermodynamic stability) performed at Invitae indicates that this missense variant is not expected to disrupt SLCO2A1 protein function with a negative predictive value of 80%. In summary, the available evidence is currently insufficient to determine the role of this variant in disease. Therefore, it has been classified as a Variant of Uncertain Significance.

NM_005630.3(SLCO2A1):c.1861C>T (p.Leu621Phe)

Gene: SLCO2A1 (solute carrier organic anion transporter family member 2A1; minus strand). Cytogenetic location: 3q22.1.
Variant type: single nucleotide variant.
Coding change: c.1861C>T on transcript NM_005630.3 (MANE Select); coding-DNA position 1861, C replaced by T.
Protein change: p.Leu621Phe; replaces leucine 621 with phenylalanine.
Molecular consequence: missense variant.
Genome position (GRCh38, 1-based): chr3:133,934,784, G>A on the plus strand (C>T on the coding strand, the complement: SLCO2A1 is on the minus strand). VCF-style: chr3-133934784-G-A. GRCh37 (hg19) VCF-style: chr3-133653628-G-A.
Other names: short protein forms L621F.
Identifiers: ClinVar variation 3705772 (VCV003705772.2).